The following is an entry in ClinVar:

NM_007294.4(BRCA1):c.4875T>G (p.Tyr1625Ter)

Gene: BRCA1 (BRCA1 DNA repair associated; minus strand). Cytogenetic location: 17q21.31.
Variant type: single nucleotide variant.
Coding change: c.4875T>G on transcript NM_007294.4 (MANE Select); coding-DNA position 4875, T replaced by G.
Protein change: p.Tyr1625Ter; replaces tyrosine 1625 with a stop codon.
Molecular consequence: nonsense. On other transcripts: non-coding transcript variant (1).
Genome position (GRCh38, 1-based): chr17:43,071,039, A>C on the plus strand (T>G on the coding strand, the complement: BRCA1 is on the minus strand). VCF-style: chr17-43071039-A-C. GRCh37 (hg19) VCF-style: chr17-41223056-A-C.
Other names: c.4791T>G, p.Tyr1597Ter (NM_001407663.1, NM_001407659.1, NM_001407660.1 and 2 more transcripts); c.1419T>G, p.Tyr473Ter (NM_001408468.1, NM_001408469.1, NM_001408470.1); c.1560T>G, p.Tyr520Ter (NM_001408473.1, NM_001408392.1, NM_001408396.1 and 8 more transcripts); c.1563T>G, p.Tyr521Ter (NM_001408472.1, NM_007298.4, NM_007299.4 and 13 more transcripts); c.4752T>G, p.Tyr1584Ter (NM_001407667.1, NM_001407669.1, NM_001407668.1 and 6 more transcripts); c.4662T>G, p.Tyr1554Ter (NM_001407571.1, NM_001407894.1, NM_001407895.1 and 12 more transcripts); c.4941T>G, p.Tyr1647Ter (NM_001407581.1, NM_001407582.1); c.4938T>G, p.Tyr1646Ter (NM_001407583.1, NM_001407585.1, NM_001407587.1 and 1 more transcripts); and 70 more; short protein forms Y1456*, Y1496*, Y1498*, Y1536*, Y1554*, Y1583*, Y1623*, Y1625*.
Identifiers: ClinVar variation 1743748 (VCV001743748.5), dbSNP rs886040251, ClinGen allele CA10591778.

ClinVar aggregate classification (germline): Pathogenic. Review status: criteria provided, multiple submitters, no conflicts (2 of 4 stars). 2 submissions from 2 submitters: Pathogenic (2). Last evaluated 2023-09-18.

Conditions:
Hereditary cancer-predisposing syndrome. Also called: Hereditary Cancer Syndrome; Neoplastic Syndromes, Hereditary; Tumor predisposition; Hereditary neoplastic syndrome. Identifiers: Orphanet 140162, MedGen C0027672, MeSH D009386, MONDO:0015356.
Hereditary breast ovarian cancer syndrome. Also called: Breast and ovarian cancer; Hereditary breast and ovarian cancer; Hereditary breast and/or ovarian cancer syndrome; BRCA1- and BRCA2-Associated Hereditary Breast and Ovarian Cancer; Hereditary breast and ovarian cancer syndrome (HBOC); Hereditary breast and ovarian cancer syndrome. Identifiers: Orphanet 145, MedGen C0677776, MeSH D061325, MONDO:0003582. Disease mechanism: loss of function.

Submissions (2):

Labcorp Genetics (formerly Invitae), Labcorp
Classification: Pathogenic for Hereditary breast ovarian cancer syndrome. Last evaluated: 2023-09-18. Review status: criteria provided, single submitter. Criteria: Invitae Variant Classification Sherloc (09022015). Collection method: clinical testing. Allele origin: germline.
Comment: For these reasons, this variant has been classified as Pathogenic. ClinVar contains an entry for this variant (Variation ID: 1743748). This variant has not been reported in the literature in individuals affected with BRCA1-related conditions. This variant is not present in population databases (gnomAD no frequency). This sequence change creates a premature translational stop signal (p.Tyr1625*) in the BRCA1 gene. It is expected to result in an absent or disrupted protein product. Loss-of-function variants in BRCA1 are known to be pathogenic (PMID: 20104584).

Ambry Genetics
Classification: Pathogenic for Hereditary cancer-predisposing syndrome. Last evaluated: 2015-03-02. Review status: criteria provided, single submitter. Criteria: Ambry Variant Classification Scheme 2023. Collection method: clinical testing. Allele origin: germline.
Comment: The p.Y1625* pathogenic mutation (also known as c.4875T>G and 4994T>G), located in coding exon 14 of the BRCA1 gene, results from a T to G substitution at nucleotide position 4875. This changes the amino acid from a tyrosine to a stop codon within coding exon 14. Since premature stop codons are typically deleterious in nature, this alteration is interpreted as a disease-causing mutation (ACMG Recommendations for Standards for Interpretation and Reporting of Sequence Variations. Revision 2007. Genet Med. 2008;10:294).

Literature cited by the submitters: PubMed 20104584 (cited by Labcorp Genetics (formerly Invitae), Labcorp).